The following is an entry in ClinVar:

ClinVar aggregate classification (germline): Pathogenic (1 of 4 stars; one submission).

Submission:

Labcorp Genetics (formerly Invitae), Labcorp
Classification: Pathogenic. Last evaluated: 2020-11-14. Review status: criteria provided, single submitter. Criteria: Invitae Variant Classification Sherloc (09022015). Collection method: clinical testing. Allele origin: germline.
Comment: This sequence change creates a premature translational stop signal (p.Asp1111*) in the LOXHD1 gene. It is expected to result in an absent or disrupted protein product. Loss-of-function variants in LOXHD1 are known to be pathogenic (PMID: 19732867, 21465660, 25792669). This variant is not present in population databases (ExAC no frequency). This variant has not been reported in the literature in individuals with LOXHD1-related conditions. For these reasons, this variant has been classified as Pathogenic.

Literature cited by the submitters: PubMed 19732867; PubMed 21465660; PubMed 25792669.

NM_001384474.1(LOXHD1):c.3330_3333del (p.Thr1110_Asp1111insTer)

Gene: LOXHD1 (lipoxygenase homology PLAT domains 1; minus strand). Cytogenetic location: 18q21.1.
Variant type: Deletion.
Coding change: c.3330_3333del on transcript NM_001384474.1 (MANE Select); coding-DNA positions 3330 to 3333, 4 bases deleted (TGAC; older notation c.3330_3333delTGAC).
Protein change: p.Thr1110_Asp1111insTer.
Molecular consequence: frameshift variant. On other transcripts: 5 prime UTR variant (1).
Genome position (GRCh38, 1-based): chr18:46,557,373-46,557,376, GTCA deleted on the plus strand (TGAC on the coding strand, the reverse complement: LOXHD1 is on the minus strand); deleting any 4 consecutive bases within chr18:46,557,373-46,557,378 gives the same sequence; the c. name uses the placement nearest the transcript's 3' end. VCF-style (leftmost placement, unchanged base first): chr18-46557372-TGTCA-T. GRCh37 (hg19) VCF-style: chr18-44137335-TGTCA-T.
Other names: c.-4_-1del (NM_001145472.3); c.3330_3333del, p.Thr1110_Asp1111insTer (NM_144612.7).
Identifiers: ClinVar variation 1423146 (VCV001423146.6), dbSNP rs2143974313, ClinGen allele CA2573155290.